The following is an entry in ClinVar:

NM_000051.4(ATM):c.5964C>T (p.Ser1988=)

Genes: ATM (ATM serine/threonine kinase; plus strand), C11orf65 (chromosome 11 open reading frame 65; minus strand). Cytogenetic location: 11q22.3.
Variant type: single nucleotide variant.
Coding change: c.5964C>T on transcript NM_000051.4 (MANE Select); coding-DNA position 5964, C replaced by T.
Protein change: p.Ser1988=; no amino-acid change (serine 1988 retained).
Molecular consequence: synonymous variant. On other transcripts: intron variant (2).
Genome position (GRCh38, 1-based): chr11:108,312,456, C>T. VCF-style: chr11-108312456-C-T. GRCh37 (hg19) VCF-style: chr11-108183183-C-T.
Other names: c.5964C>T, p.Ser1988= (NM_001351834.2); c.641-3385G>A (NM_001330368.2); c.*39-3385G>A (NM_001351110.2).
Identifiers: ClinVar variation 414619 (VCV000414619.17), dbSNP rs774260725, ClinGen allele CA6265810.

ClinVar aggregate classification (germline): Benign/Likely benign. Review status: criteria provided, multiple submitters, no conflicts (2 of 4 stars). 5 submissions from 5 submitters: Benign (1); Likely benign (3). 1 of the submissions does not count toward it. Last evaluated 2025-08-27.

Conditions:
Hereditary cancer-predisposing syndrome. Also called: Neoplastic Syndromes, Hereditary; Hereditary Cancer Syndrome; Tumor predisposition; Hereditary neoplastic syndrome. Identifiers: Orphanet 140162, MedGen C0027672, MeSH D009386, MONDO:0015356.
Familial cancer of breast. Also called: Hereditary breast cancer; BREAST CANCER, FAMILIAL; hereditary breast carcinoma. Identifiers: Orphanet 227535, MedGen C0346153, MONDO:0016419, OMIM 114480. Disease mechanism: loss of function.
Ataxia-telangiectasia syndrome (AT). Also called: LOUIS-BAR SYNDROME; Cerebello-oculocutaneous telangiectasia; Immunodeficiency with ataxia telangiectasia; Ataxia-telangiectasia, complementation group D; AT, COMPLEMENTATION GROUP C; Ataxia-telangiectasia, complementation group E. Identifiers: Orphanet 100, MedGen C0004135, MONDO:0008840, OMIM 208900.

Allele frequency attached by ClinVar (database versions not stated): gnomAD 0.00001; ExAC 0.00004; TOPMed 0.00001; gnomAD exomes 0.00002.
gnomAD v4.1: 6 of 1,596,580 alleles (0.00038%); highest among the groups gnomAD compares: East Asian, 0.013%; no homozygotes.

Submissions (5):

Labcorp Genetics (formerly Invitae), Labcorp
Classification: Likely benign for Ataxia-telangiectasia syndrome. Last evaluated: 2025-08-27. Review status: criteria provided, single submitter. Criteria: Invitae Variant Classification Sherloc (09022015). Collection method: clinical testing. Allele origin: germline.

Myriad Genetics, Inc.
Classification: Benign for Familial cancer of breast. Last evaluated: 2024-05-28. Review status: criteria provided, single submitter. Criteria: Myriad Autosomal Dominant, Autosomal Recessive and X-Linked Classification Criteria (2023). Collection method: clinical testing. Allele origin: unknown.
Comment: This variant is considered benign. This variant is a silent/synonymous amino acid change and it is not expected to impact splicing.

Color Diagnostics, LLC DBA Color Health
Classification: Likely benign for Hereditary cancer-predisposing syndrome. Last evaluated: 2017-02-09. Review status: criteria provided, single submitter. Criteria: ACMG Guidelines, 2015. Collection method: clinical testing. Allele origin: germline.

Ambry Genetics
Classification: Likely benign for Hereditary cancer-predisposing syndrome. Last evaluated: 2015-11-16. Review status: criteria provided, single submitter. Criteria: Ambry Variant Classification Scheme 2023. Collection method: clinical testing. Allele origin: germline.

Department of Pathology and Laboratory Medicine, Sinai Health System
Classification: Likely benign. Review status: no assertion criteria provided. Collection method: clinical testing. Allele origin: unknown. Affected: yes. Study: The Canadian Open Genetics Repository (COGR). Not counted in ClinVar's aggregate classification.
Comment: The ATM p.Ser1988= variant was not identified in the literature nor was it identified in the LOVD 3.0 database. The variant was identified in dbSNP (ID: rs774260725) as â€šÃ„ÃºWith Likely benign alleleâ€šÃ„Ã¹ and ClinVar (as likely benign by Color and Invitae). The variant was not identified in the following control databases: the Exome Aggregation Consortium (August 8th 2016) or the Genome Aggregation Database (Feb 27, 2017). The p.Ser1988= variant is not expected to have clinical significance because it does not result in a change of amino acid and is not located in a known consensus splice site. In addition, in silico or computational prediction software programs (SpliceSiteFinder, MaxEntScan, NNSPLICE, GeneSplicer) do not predict a difference in splicing. In summary, based on the above information, the clinical significance of this variant cannot be determined with certainty at this time although we would lean towards a more benign role for this variant. This variant is classified as likely benign.